The following is an entry in ClinVar:

NM_001276270.2(MBD4):c.280G>T (p.Val94Leu)

Gene: MBD4 (methyl-CpG binding domain 4, DNA glycosylase; minus strand). Cytogenetic location: 3q21.3.
Variant type: single nucleotide variant.
Coding change: c.280G>T on transcript NM_001276270.2 (MANE Select); coding-DNA position 280, G replaced by T.
Protein change: p.Val94Leu; replaces valine 94 with leucine.
Molecular consequence: missense variant. On other transcripts: intron variant (1).
Genome position (GRCh38, 1-based): chr3:129,437,775, C>A on the plus strand (G>T on the coding strand, the complement: MBD4 is on the minus strand). VCF-style: chr3-129437775-C-A. GRCh37 (hg19) VCF-style: chr3-129156618-C-A.
Other names: c.280G>T, p.Val94Leu (NM_001276271.2, NM_001276272.2, NM_003925.3); c.247+33G>T (NM_001276273.2); short protein forms V94L.
Identifiers: ClinVar variation 3672093 (VCV003672093.2).

ClinVar aggregate classification (germline): Uncertain significance (1 of 4 stars; one submission).

Submission:

Labcorp Genetics (formerly Invitae), Labcorp
Classification: Uncertain significance. Last evaluated: 2024-03-07. Review status: criteria provided, single submitter. Criteria: Invitae Variant Classification Sherloc (09022015). Collection method: clinical testing. Allele origin: germline.
Comment: This sequence change replaces valine, which is neutral and non-polar, with leucine, which is neutral and non-polar, at codon 94 of the MBD4 protein (p.Val94Leu). This variant is not present in population databases (gnomAD no frequency). This variant has not been reported in the literature in individuals affected with MBD4-related conditions. An algorithm developed to predict the effect of missense changes on protein structure and function (PolyPhen-2) suggests that this variant is likely to be disruptive. In summary, the available evidence is currently insufficient to determine the role of this variant in disease. Therefore, it has been classified as a Variant of Uncertain Significance.